The following is an entry in ClinVar:

ClinVar aggregate classification (germline): Likely pathogenic (1 of 4 stars; one submission).

Submission:

Labcorp Genetics (formerly Invitae), Labcorp
Classification: Likely pathogenic. Last evaluated: 2023-05-22. Review status: criteria provided, single submitter. Criteria: Invitae Variant Classification Sherloc (09022015). Collection method: clinical testing. Allele origin: germline.
Comment: This variant is not present in population databases (gnomAD no frequency). This variant has not been reported in the literature in individuals affected with MCPH1-related conditions. Algorithms developed to predict the effect of sequence changes on RNA splicing suggest that this variant may disrupt the consensus splice site. In summary, the currently available evidence indicates that the variant is pathogenic, but additional data are needed to prove that conclusively. Therefore, this variant has been classified as Likely Pathogenic. This sequence change affects an acceptor splice site in intron 2 of the MCPH1 gene. It is expected to disrupt RNA splicing. Variants that disrupt the donor or acceptor splice site typically lead to a loss of protein function (PMID: 16199547), and loss-of-function variants in MCPH1 are known to be pathogenic (PMID: 20978018).

Literature cited by the submitters: PubMed 16199547; PubMed 20978018.

NM_024596.5(MCPH1):c.115-2A>G

Gene: MCPH1 (microcephalin 1; plus strand). Cytogenetic location: 8p23.1.
Variant type: single nucleotide variant.
Coding change: c.115-2A>G on transcript NM_024596.5 (MANE Select); the canonical splice acceptor site of the intron before coding-DNA position 115, A replaced by G.
Molecular consequence: splice acceptor variant.
Genome position (GRCh38, 1-based): chr8:6,414,763, A>G. VCF-style: chr8-6414763-A-G. GRCh37 (hg19) VCF-style: chr8-6272284-A-G.
Other names: c.115-2A>G (NM_001322042.2, NM_001363980.2, NM_001363979.1 and 4 more transcripts); c.109-2A>G (NM_001322043.2); c.13-2A>G (NM_001322045.2).
Identifiers: ClinVar variation 2866975 (VCV002866975.3), dbSNP rs2486140026, ClinGen allele CA370215907.